The following is an entry in ClinVar:

NM_000548.5(TSC2):c.3734G>A (p.Arg1245Gln)

Gene: TSC2 (TSC complex subunit 2; plus strand). Cytogenetic location: 16p13.3.
Variant type: single nucleotide variant.
Coding change: c.3734G>A on transcript NM_000548.5 (MANE Select); coding-DNA position 3734, G replaced by A.
Protein change: p.Arg1245Gln; replaces arginine 1245 with glutamine.
Molecular consequence: missense variant.
Genome position (GRCh38, 1-based): chr16:2,081,718, G>A. VCF-style: chr16-2081718-G-A. GRCh37 (hg19) VCF-style: chr16-2131719-G-A.
Other names: c.3734G>A (NM_000548.4); c.3602G>A, p.Arg1201Gln (NM_001077183.3, NM_001370404.1); c.3734G>A, p.Arg1245Gln (NM_001114382.3); c.3494G>A, p.Arg1165Gln (NM_001318827.2); c.3458G>A, p.Arg1153Gln (NM_001318829.2); c.3002G>A, p.Arg1001Gln (NM_001318831.2); c.3635G>A, p.Arg1212Gln (NM_001318832.2); c.3605G>A, p.Arg1202Gln (NM_001363528.2, NM_001370405.1, NM_021055.3); short protein forms R1212Q, R1165Q, R1201Q, R1245Q, R1001Q, R1153Q, R1202Q.
Identifiers: ClinVar variation 954608 (VCV000954608.16), dbSNP rs746588726, ClinGen allele CA048210.
Genomic context (GRCh38, chr16:2,081,718, plus strand): 5'-ACATGCCCCTGCAGGAGCTGTCTAACGCCCTCATGGCGGCTGAGCGCTTCAAGGAGCACC[G>A]GGACACAGCCCTGTACAAGTCACTGTCGGTGCCGGCAGCCAGCACGGCCAAACCCCCTCC-3'
Protein context (NP_000539.2, residues 1235-1255): LMAAERFKEH[Arg1245Gln]DTALYKSLSV

ClinVar aggregate classification (germline): Conflicting classifications of pathogenicity. Review status: criteria provided, conflicting classifications (1 of 4 stars). 4 submissions from 4 submitters: Uncertain significance (2); Benign (1); Likely benign (1). Last evaluated 2025-12-11.

Conditions:
Hereditary cancer-predisposing syndrome. Also called: Hereditary neoplastic syndrome; Tumor predisposition; Neoplastic Syndromes, Hereditary; Hereditary Cancer Syndrome. Identifiers: Orphanet 140162, MedGen C0027672, MeSH D009386, MONDO:0015356.
Tuberous sclerosis syndrome (TSC). Also called: Tuberous Sclerosis Complex; Tuberous sclerosis. Identifiers: Orphanet 805, MedGen C0041341, MONDO:0001734.
Tuberous sclerosis 2 (TSC2). Identifiers: Orphanet 805, MedGen C1860707, MONDO:0013199, OMIM 613254.

Allele frequency attached by ClinVar (database versions not stated): gnomAD exomes below 0.00001 and 0.00001; gnomAD 0.00001; ExAC 0.00002.
gnomAD v4.1: 8 of 1,612,856 alleles (0.0005%); highest among the groups gnomAD compares: Middle Eastern, 0.016%; no homozygotes.

Submissions (4):

Ambry Genetics
Classification: Likely benign for Hereditary cancer-predisposing syndrome. Last evaluated: 2025-12-11. Review status: criteria provided, single submitter. Criteria: Ambry Variant Classification Scheme 2023. Collection method: clinical testing. Allele origin: germline.

Labcorp Genetics (formerly Invitae), Labcorp
Classification: Benign for Tuberous sclerosis 2. Last evaluated: 2024-10-23. Review status: criteria provided, single submitter. Criteria: Invitae Variant Classification Sherloc (09022015). Collection method: clinical testing. Allele origin: germline.

All of Us Research Program, National Institutes of Health
Classification: Uncertain significance for Tuberous sclerosis syndrome. Last evaluated: 2023-12-18. Review status: criteria provided, single submitter. Criteria: ACMG Guidelines, 2015. Collection method: clinical testing. Allele origin: germline. Inheritance: Autosomal dominant inheritance. Observed: 1 variant allele, 1 heterozygote.
Comment: This missense variant replaces arginine with glutamine at codon 1245 of the TSC2 protein. Computational prediction is inconclusive regarding the impact of this variant on protein structure and function (internally defined REVEL score threshold 0.5 < inconclusive < 0.7, PMID: 27666373). To our knowledge, functional studies have not been reported for this variant. This variant has not been reported in individuals affected with TSC2-related disorders in the literature. This variant has been identified in 1/249856 chromosomes in the general population by the Genome Aggregation Database (gnomAD). The available evidence is insufficient to determine the role of this variant in disease conclusively. Therefore, this variant is classified as a Variant of Uncertain Significance.

This study involves interpretation of variants in research participants for the purpose of population health screening. Participant phenotype was not available at the time of variant classification. Additional details can be found in publication PMID: 35346344, PMCID: PMC8962531

Women's Health and Genetics/Laboratory Corporation of America, LabCorp
Classification: Uncertain significance. Last evaluated: 2023-01-27. Review status: criteria provided, single submitter. Criteria: LabCorp Variant Classification Summary - May 2015. Collection method: clinical testing. Allele origin: germline.
Comment: Variant summary: TSC2 c.3734G>A (p.Arg1245Gln) results in a conservative amino acid change in the encoded protein sequence. Four of five in-silico tools predict a benign effect of the variant on protein function. The variant allele was found at a frequency of 4e-06 in 249856 control chromosomes. The available data on variant occurrences in the general population are insufficient to allow any conclusion about variant significance. To our knowledge, no occurrence of c.3734G>A in individuals affected with Tuberous Sclerosis Complex and no experimental evidence demonstrating its impact on protein function have been reported. Two clinical diagnostic laboratories have submitted clinical-significance assessments for this variant to ClinVar after 2014 and classified the variant as uncertain significance. Based on the evidence outlined above, the variant was classified as uncertain significance.